The following is an entry in ClinVar:

NM_032043.3(BRIP1):c.2905+117_2905+118insTA

Gene: BRIP1 (BRCA1 interacting DNA helicase 1; minus strand). Cytogenetic location: 17q23.2.
Variant type: Insertion.
Coding change: c.2905+117_2905+118insTA on transcript NM_032043.3 (MANE Select); bases 117 to 118 of the intron after coding-DNA position 2905, TA inserted.
Molecular consequence: intron variant.
Genome position: GRCh38 VCF-style: chr17-61685718-C-CAT. GRCh37 (hg19) VCF-style: chr17-59763079-C-CAT.
Identifiers: ClinVar variation 1367230 (VCV001367230.7), dbSNP rs2144105643, ClinGen allele CA2573154357.

ClinVar aggregate classification (germline): Uncertain significance (1 of 4 stars; one submission).

Conditions:
Fanconi anemia complementation group J. Also called: BRIP1-Related Fanconi Anemia. Identifiers: Orphanet 84, MedGen C1836860, MONDO:0012187, OMIM 609054.
Familial cancer of breast. Also called: Hereditary breast cancer; BREAST CANCER, FAMILIAL; hereditary breast carcinoma. Identifiers: Orphanet 227535, MedGen C0346153, MONDO:0016419, OMIM 114480. Disease mechanism: loss of function.

Submission:

Labcorp Genetics (formerly Invitae), Labcorp
Classification: Uncertain significance for Familial cancer of breast; Fanconi anemia complementation group J. Last evaluated: 2024-09-25. Review status: criteria provided, single submitter. Criteria: Invitae Variant Classification Sherloc (09022015). Collection method: clinical testing. Allele origin: germline.
Comment: This sequence change falls in intron 19 of the BRIP1 gene. It does not directly change the encoded amino acid sequence of the BRIP1 protein. This variant is not present in population databases (gnomAD no frequency). This variant has not been reported in the literature in individuals affected with BRIP1-related conditions. ClinVar contains an entry for this variant (Variation ID: 1367230). Studies have shown that this variant is associated with inconclusive levels of altered splicing (internal data). In summary, the available evidence is currently insufficient to determine the role of this variant in disease. Therefore, it has been classified as a Variant of Uncertain Significance.